The following is an entry in ClinVar:

NM_001145860.2(POP1):c.3028C>G (p.Pro1010Ala)

Gene: POP1 (POP1 ribonuclease P/MRP subunit; plus strand). Cytogenetic location: 8q22.2.
Variant type: single nucleotide variant.
Coding change: c.3028C>G on transcript NM_001145860.2 (MANE Select); coding-DNA position 3028, C replaced by G.
Protein change: p.Pro1010Ala; replaces proline 1010 with alanine.
Molecular consequence: missense variant.
Genome position (GRCh38, 1-based): chr8:98,158,224, C>G. VCF-style: chr8-98158224-C-G. GRCh37 (hg19) VCF-style: chr8-99170452-C-G.
Other names: c.3028C>G, p.Pro1010Ala (NM_001145861.2, NM_015029.3); short protein forms P1010A.
Identifiers: ClinVar variation 1375482 (VCV001375482.6), dbSNP rs1809709945, ClinGen allele CA371778735.
Genomic context (GRCh38, chr8:98,158,224, plus strand): 5'-TTGCTGGATATGCTGTCCAGCCAGCCTGCAGCGCAGAGGGGCTTAGTGCTACTGAGGCCT[C>G]CCGCCTCTCTGCAGTATCGATTTGCGAGGATTGCTATTGAGGTGTGAATGCGTGCTTGTA-3'
Protein context (NP_001139332.1, residues 1000-1020): AQRGLVLLRP[Pro1010Ala]ASLQYRFARI

ClinVar aggregate classification (germline): Uncertain significance (1 of 4 stars; one submission).

Submission:

Labcorp Genetics (formerly Invitae), Labcorp
Classification: Uncertain significance. Last evaluated: 2025-01-27. Review status: criteria provided, single submitter. Criteria: Invitae Variant Classification Sherloc (09022015). Collection method: clinical testing. Allele origin: germline.
Comment: This sequence change replaces proline, which is neutral and non-polar, with alanine, which is neutral and non-polar, at codon 1010 of the POP1 protein (p.Pro1010Ala). This variant is not present in population databases (gnomAD no frequency). This variant has not been reported in the literature in individuals affected with POP1-related conditions. ClinVar contains an entry for this variant (Variation ID: 1375482). An algorithm developed to predict the effect of missense changes on protein structure and function (PolyPhen-2) suggests that this variant is likely to be disruptive. In summary, the available evidence is currently insufficient to determine the role of this variant in disease. Therefore, it has been classified as a Variant of Uncertain Significance.